The following is an entry in ClinVar:

NM_001370298.3(FGD4):c.2402G>C (p.Cys801Ser)

Gene: FGD4 (FYVE, RhoGEF and PH domain containing 4; plus strand). Cytogenetic location: 12p11.21.
Variant type: single nucleotide variant.
Coding change: c.2402G>C on transcript NM_001370298.3 (MANE Select); coding-DNA position 2402, G replaced by C.
Protein change: p.Cys801Ser; replaces cysteine 801 with serine.
Molecular consequence: missense variant.
Genome position (GRCh38, 1-based): chr12:32,638,743, G>C. VCF-style: chr12-32638743-G-C. GRCh37 (hg19) VCF-style: chr12-32791677-G-C.
Other names: c.2246G>C, p.Cys749Ser (NM_001304481.2); c.1247G>C, p.Cys416Ser (NM_001304483.2); c.959G>C, p.Cys320Ser (NM_001304484.2); c.1712G>C, p.Cys571Ser (NM_001330373.2, NM_001330374.2, NM_001384130.1); c.1439G>C, p.Cys480Ser (NM_001370297.1); c.2402G>C, p.Cys801Ser (NM_001384126.1); c.1991G>C, p.Cys664Ser (NM_001384127.1, NM_001384128.1, NM_001385118.1 and 1 more transcripts); short protein forms C664S, C749S, C571S, C416S, C480S, C320S, C801S.
Identifiers: ClinVar variation 580519 (VCV000580519.7), dbSNP rs749404822, ClinGen allele CA6507059.

ClinVar aggregate classification (germline): Uncertain significance (1 of 4 stars; one submission).

Conditions:
Charcot-Marie-Tooth disease type 4. Also called: Charcot-Marie-Tooth, Type 4; Charcot-Marie-Tooth disease, type IV. Identifiers: Orphanet 64749, MedGen C4082197, MONDO:0018995.

Allele frequency attached by ClinVar (database versions not stated): TOPMed below 0.00001; ExAC 0.00001; gnomAD exomes 0.00001.
gnomAD v4.1: 5 of 1,614,072 alleles (0.00031%); highest among the groups gnomAD compares: Non-Finnish European, 0.00034%; no homozygotes.

Submission:

Labcorp Genetics (formerly Invitae), Labcorp
Classification: Uncertain significance for Charcot-Marie-Tooth disease type 4. Last evaluated: 2025-08-18. Review status: criteria provided, single submitter. Criteria: Invitae Variant Classification Sherloc (09022015). Collection method: clinical testing. Allele origin: germline.
Comment: This sequence change replaces cysteine, which is neutral and slightly polar, with serine, which is neutral and polar, at codon 664 of the FGD4 protein (p.Cys664Ser). This variant is present in population databases (rs749404822, gnomAD 0.002%). This variant has not been reported in the literature in individuals affected with FGD4-related conditions. ClinVar contains an entry for this variant (Variation ID: 580519). Invitae Evidence Modeling of protein sequence and biophysical properties (such as structural, functional, and spatial information, amino acid conservation, physicochemical variation, residue mobility, and thermodynamic stability) indicates that this missense variant is not expected to disrupt FGD4 protein function with a negative predictive value of 80%. In summary, the available evidence is currently insufficient to determine the role of this variant in disease. Therefore, it has been classified as a Variant of Uncertain Significance.